The following is an entry in ClinVar:

ClinVar aggregate classification (germline): Benign. Review status: criteria provided, multiple submitters, no conflicts (2 of 4 stars). 4 submissions from 4 submitters: Benign (3). 1 of the submissions does not count toward it. Last evaluated 2025-04-09.

Conditions:
NRAP-related disorder. Also called: NRAP-related condition.

Allele frequency attached by ClinVar (database versions not stated): 1000 Genomes Project 30x 0.03123; 1000 Genomes Project 0.03155; TOPMed 0.05232; gnomAD 0.05382 and 0.05401; ESP Exome Variant Server 0.05575; gnomAD exomes 0.05883; ExAC 0.06125.

Submissions (4):

Molecular Diagnostic Laboratory for Inherited Cardiovascular Disease, Montreal Heart Institute
Classification: Benign. Last evaluated: 2025-04-09. Review status: criteria provided, single submitter. Criteria: ACMG Guidelines, 2015. Collection method: clinical testing. Allele origin: germline. Affected: no.

GeneDx
Classification: Benign. Last evaluated: 2021-05-04. Review status: criteria provided, single submitter. Criteria: GeneDx Variant Classification Process June 2021. Collection method: clinical testing. Allele origin: germline. Affected: yes.

Breakthrough Genomics
Classification: Benign. Review status: criteria provided, single submitter. Criteria: ACMG Guidelines, 2015. Collection method: not provided. Allele origin: germline. Inheritance: Unknown mechanism. Affected: yes.

PreventionGenetics, part of Exact Sciences
Classification: Benign for NRAP-related condition. Last evaluated: 2019-05-13. Review status: no assertion criteria provided. Collection method: clinical testing. Allele origin: germline. Not counted in ClinVar's aggregate classification.
Comment: This variant is classified as benign based on ACMG/AMP sequence variant interpretation guidelines (Richards et al. 2015 PMID: 25741868, with internal and published modifications).

NM_198060.4(NRAP):c.4905G>A (p.Pro1635=)

Gene: NRAP (nebulin related anchoring protein; minus strand). Cytogenetic location: 10q25.3.
Variant type: single nucleotide variant.
Coding change: c.4905G>A on transcript NM_198060.4 (MANE Select); coding-DNA position 4905, G replaced by A.
Protein change: p.Pro1635=; no amino-acid change (proline 1635 retained).
Molecular consequence: synonymous variant.
Genome position (GRCh38, 1-based): chr10:113,590,629, C>T on the plus strand (G>A on the coding strand, the complement: NRAP is on the minus strand). VCF-style: chr10-113590629-C-T. GRCh37 (hg19) VCF-style: chr10-115350388-C-T.
Other names: c.4905G>A, p.Pro1635= (NM_001261463.2); c.4797G>A, p.Pro1599= (NM_001322945.2); c.4800G>A, p.Pro1600= (NM_006175.5).
Identifiers: ClinVar variation 1257443 (VCV001257443.6), dbSNP rs11575691, ClinGen allele CA5694253.